The following is an entry in ClinVar:

NM_000094.4(COL7A1):c.8807G>T (p.Ser2936Ile)

Gene: COL7A1 (collagen type VII alpha 1 chain; minus strand). Cytogenetic location: 3p21.31.
Variant type: single nucleotide variant.
Coding change: c.8807G>T on transcript NM_000094.4 (MANE Select); coding-DNA position 8807, G replaced by T.
Protein change: p.Ser2936Ile; replaces serine 2936 with isoleucine.
Molecular consequence: missense variant.
Genome position (GRCh38, 1-based): chr3:48,564,794, C>A on the plus strand (G>T on the coding strand, the complement: COL7A1 is on the minus strand). VCF-style: chr3-48564794-C-A. GRCh37 (hg19) VCF-style: chr3-48602227-C-A.
Other names: short protein forms S2936I.
Identifiers: ClinVar variation 2778540 (VCV002778540.3), dbSNP rs2043528780, ClinGen allele CA352632458.
Genomic context (GRCh38, chr3:48,564,794, plus strand): 5'-CCAGGCAGGCTCAGTGCCCAGTTCCCCACGGTGGGGGCTCAGCCCATACCTGTCCCCTGG[C>A]TCTGGACCACCCGGGGTGGGCAGCGGCGCTCGCAGGCCTCACGGGTCCCAAAACGGTTGG-3'
Protein context (NP_000085.1, residues 2926-2944): ERRCPPRVVQ[Ser2936Ile]QGTGTAQD

ClinVar aggregate classification (germline): Uncertain significance (1 of 4 stars; one submission).

Allele frequency attached by ClinVar (database versions not stated): gnomAD exomes below 0.00001.
gnomAD v4.1: 3 of 1,613,764 alleles (0.00019%); highest among the groups gnomAD compares: Non-Finnish European, 0.00025%; no homozygotes.

Submission:

Labcorp Genetics (formerly Invitae), Labcorp
Classification: Uncertain significance. Last evaluated: 2023-12-30. Review status: criteria provided, single submitter. Criteria: Invitae Variant Classification Sherloc (09022015). Collection method: clinical testing. Allele origin: germline.
Comment: This sequence change replaces serine, which is neutral and polar, with isoleucine, which is neutral and non-polar, at codon 2936 of the COL7A1 protein (p.Ser2936Ile). This variant is not present in population databases (gnomAD no frequency). This variant has not been reported in the literature in individuals affected with COL7A1-related conditions. Advanced modeling of protein sequence and biophysical properties (such as structural, functional, and spatial information, amino acid conservation, physicochemical variation, residue mobility, and thermodynamic stability) performed at Invitae indicates that this missense variant is not expected to disrupt COL7A1 protein function with a negative predictive value of 95%. In summary, the available evidence is currently insufficient to determine the role of this variant in disease. Therefore, it has been classified as a Variant of Uncertain Significance.